The following is an entry in ClinVar:

ClinVar aggregate classification (germline): Likely benign. Review status: criteria provided, multiple submitters, no conflicts (2 of 4 stars). 2 submissions from 2 submitters: Likely benign (2). Last evaluated 2023-10-06.

Conditions:
Neurofibromatosis, type 2 (SWNV). Also called: SCHWANNOMATOSIS, VESTIBULAR; BILATERAL ACOUSTIC NEUROFIBROMATOSIS; NF2-Related Schwannomatosis. Identifiers: Orphanet 637, MedGen C0027832, MONDO:0007039, OMIM 101000. Disease mechanism: loss of function.

Allele frequency attached by ClinVar (database versions not stated): gnomAD 0.00001; gnomAD exomes 0.00001.
gnomAD v4.1: 9 of 1,614,118 alleles (0.00056%); highest among the groups gnomAD compares: South Asian, 0.0088%; no homozygotes.

Submissions (2):

All of Us Research Program, National Institutes of Health
Classification: Likely benign for Neurofibromatosis, type 2. Last evaluated: 2023-10-06. Review status: criteria provided, single submitter. Criteria: ACMG Guidelines, 2015. Collection method: clinical testing. Allele origin: germline. Inheritance: Autosomal dominant inheritance. Observed: 1 variant allele, 1 heterozygote.
Comment: This study involves interpretation of variants in research participants for the purpose of population health screening. Participant phenotype was not available at the time of variant classification. Additional details can be found in publication PMID: 35346344, PMCID: PMC8962531

Labcorp Genetics (formerly Invitae), Labcorp
Classification: Likely benign for Neurofibromatosis, type 2. Last evaluated: 2023-02-20. Review status: criteria provided, single submitter. Criteria: Invitae Variant Classification Sherloc (09022015). Collection method: clinical testing. Allele origin: germline.

NM_000268.4(NF2):c.702T>C (p.Leu234=)

Gene: NF2 (NF2, moesin-ezrin-radixin like (MERLIN) tumor suppressor; plus strand). Cytogenetic location: 22q12.2.
Variant type: single nucleotide variant.
Coding change: c.702T>C on transcript NM_000268.4 (MANE Select); coding-DNA position 702, T replaced by C.
Protein change: p.Leu234=; no amino-acid change (leucine 234 retained).
Molecular consequence: synonymous variant. On other transcripts: non-coding transcript variant (1), intron variant (4).
Genome position (GRCh38, 1-based): chr22:29,661,231, T>C. VCF-style: chr22-29661231-T-C. GRCh37 (hg19) VCF-style: chr22-30057220-T-C.
Other names: c.588T>C, p.Leu196= (NM_001407053.1, NM_001407056.1); c.579T>C, p.Leu193= (NM_001407054.1, NM_001407058.1, NM_181829.3); c.576T>C, p.Leu192= (NM_001407055.1, NM_181828.3); c.702T>C, p.Leu234= (NM_001407060.1, NM_001407066.1, NM_016418.5 and 2 more transcripts); c.453T>C, p.Leu151= (NM_001407063.1, NM_001407064.1, NM_181830.3 and 1 more transcripts); c.168T>C, p.Leu56= (NM_001407065.1); c.471T>C, p.Leu157= (NM_001407067.1); c.675+2967T>C (NM_001407059.1, NM_001407057.1); and 2 more.
Identifiers: ClinVar variation 2740292 (VCV002740292.4), dbSNP rs1421768831, ClinGen allele CA514183118.